The following is an entry in ClinVar:

NM_001044.5(SLC6A3):c.875A>G (p.Asp292Gly)

Gene: SLC6A3 (solute carrier family 6 member 3). Cytogenetic location: 5p15.33.
Variant type: single nucleotide variant.
Coding change: c.875A>G on transcript NM_001044.5 (MANE Select); coding-DNA position 875, A replaced by G.
Protein change: p.Asp292Gly; replaces aspartic acid 292 with glycine.
Molecular consequence: missense variant.
Genome position (GRCh38, 1-based): chr5:1,420,621, T>C on the plus strand (A>G on the coding strand, the complement: SLC6A3 is on the minus strand). VCF-style: chr5-1420621-T-C. GRCh37 (hg19) VCF-style: chr5-1420736-T-C.
Other names: short protein forms D292G.
Identifiers: ClinVar variation 2140639 (VCV002140639.4), dbSNP rs2477372845, ClinGen allele CA359085665.

ClinVar aggregate classification (germline): Uncertain significance (1 of 4 stars; one submission).

Conditions:
Parkinsonism-dystonia, infantile. Identifiers: Orphanet 238455, MedGen C2751067, MONDO:0013150.

Allele frequency attached by ClinVar (database versions not stated): gnomAD exomes below 0.00001.
gnomAD v4.1: 1 of 1,613,642 alleles (0.000062%); highest among the groups gnomAD compares: African/African-American, 0.0013%; no homozygotes.

Submission:

Labcorp Genetics (formerly Invitae), Labcorp
Classification: Uncertain significance for Parkinsonism-dystonia, infantile. Last evaluated: 2022-05-12. Review status: criteria provided, single submitter. Criteria: Invitae Variant Classification Sherloc (09022015). Collection method: clinical testing. Allele origin: germline.
Comment: In summary, the available evidence is currently insufficient to determine the role of this variant in disease. Therefore, it has been classified as a Variant of Uncertain Significance. This sequence change replaces aspartic acid, which is acidic and polar, with glycine, which is neutral and non-polar, at codon 292 of the SLC6A3 protein (p.Asp292Gly). This variant is not present in population databases (gnomAD no frequency). This variant has not been reported in the literature in individuals affected with SLC6A3-related conditions. Algorithms developed to predict the effect of missense changes on protein structure and function (SIFT, PolyPhen-2, Align-GVGD) all suggest that this variant is likely to be tolerated.